The following is an entry in ClinVar:

ClinVar aggregate classification (germline): Uncertain significance. Review status: criteria provided, multiple submitters, no conflicts (2 of 4 stars). 3 submissions from 3 submitters: Uncertain significance (2). 1 of the submissions does not count toward it. Last evaluated 2023-11-03.

Conditions:
Cardiovascular phenotype. Identifiers: MedGen CN230736.

Allele frequency attached by ClinVar (database versions not stated): ExAC 0.00002; gnomAD exomes 0.00002 and 0.00005; gnomAD 0.00003; TOPMed 0.00003; ESP Exome Variant Server 0.00008.
gnomAD v4.1: 71 of 1,612,706 alleles (0.0044%); highest among the groups gnomAD compares: Non-Finnish European, 0.0057%; no homozygotes.

Submissions (3):

Ambry Genetics
Classification: Uncertain significance for Cardiovascular phenotype. Last evaluated: 2023-11-03. Review status: criteria provided, single submitter. Criteria: Ambry Variant Classification Scheme 2023. Collection method: clinical testing. Allele origin: germline.

GeneDx
Classification: Uncertain significance. Last evaluated: 2020-04-15. Review status: criteria provided, single submitter. Criteria: GeneDx Variant Classification Process June 2021. Collection method: clinical testing. Allele origin: germline. Affected: yes.
Comment: Has not been previously published as pathogenic or benign to our knowledge; In silico analysis, which includes protein predictors and evolutionary conservation, supports that this variant does not alter protein structure/function

Department of Pathology and Laboratory Medicine, Sinai Health System
Classification: Uncertain significance. Review status: no assertion criteria provided. Collection method: clinical testing. Allele origin: unknown. Affected: yes. Study: The Canadian Open Genetics Repository (COGR). Not counted in ClinVar's aggregate classification.
Comment: The TNXB p.Ile618Met variant was not identified in the literature nor was it identified in ClinVar or LOVD 3.0. The variant was identified in dbSNP (ID: rs370432702) and in control databases in 6 of 271784 chromosomes at a frequency of 0.00002208 (Genome Aggregation Database March 6, 2019, v2.1.1). The variant was observed in the European (non-Finnish) population in 6 of 121380 chromosomes (freq: 0.000049), but was not observed in the African, Latino, Ashkenazi Jewish, East Asian, European (Finnish), Other, or South Asian populations. The p.Ile618 residue is not conserved in mammals and computational analyses (PolyPhen-2, SIFT, AlignGVGD, BLOSUM, MutationTaster) do not suggest a high likelihood of impact to the protein; however, this information is not predictive enough to rule out pathogenicity. The variant occurs outside of the splicing consensus sequence and in silico or computational prediction software programs (SpliceSiteFinder, MaxEntScan, NNSPLICE, GeneSplicer) do not predict a difference in splicing. In summary, based on the above information the clinical significance of this variant cannot be determined with certainty at this time. This variant is classified as a variant of uncertain significance.

NM_001365276.2(TNXB):c.1854C>G (p.Ile618Met)

Gene: TNXB (tenascin XB; minus strand). Cytogenetic location: 6p21.33.
Variant type: single nucleotide variant.
Coding change: c.1854C>G on transcript NM_001365276.2 (MANE Select); coding-DNA position 1854, C replaced by G.
Protein change: p.Ile618Met; replaces isoleucine 618 with methionine.
Molecular consequence: missense variant.
Genome position (GRCh38, 1-based): chr6:32,095,999, G>C on the plus strand (C>G on the coding strand, the complement: TNXB is on the minus strand). VCF-style: chr6-32095999-G-C. GRCh37 (hg19) VCF-style: chr6-32063776-G-C.
Other names: c.1854C>G, p.Ile618Met (NM_019105.8); short protein forms I618M.
Identifiers: ClinVar variation 1049689 (VCV001049689.5), dbSNP rs370432702, ClinGen allele CA3735609.